The following is an entry in ClinVar:

ClinVar aggregate classification (germline): Benign (1 of 4 stars; one submission).

Submission:

GeneDx
Classification: Benign. Last evaluated: 2018-06-19. Review status: criteria provided, single submitter. Criteria: GeneDx Variant Classification (06012015). Collection method: clinical testing. Allele origin: germline. Affected: yes.
Comment: This variant is considered likely benign or benign based on one or more of the following criteria: it is a conservative change, it occurs at a poorly conserved position in the protein, it is predicted to be benign by multiple in silico algorithms, and/or has population frequency not consistent with disease.

NM_000722.4(CACNA2D1):c.1956-235_1956-234insACCTAAT

Gene: CACNA2D1 (calcium voltage-gated channel auxiliary subunit alpha2delta 1; minus strand). Cytogenetic location: 7q21.11.
Variant type: Insertion.
Coding change: c.1956-235_1956-234insACCTAAT on transcript NM_000722.4 (MANE Select); 235 bases into the intron before coding-DNA position 1956 through 234 bases into the intron before coding-DNA position 1956, ACCTAAT inserted.
Molecular consequence: intron variant.
Genome position: GRCh38 VCF-style: chr7-81974786-A-AGTATTAG. GRCh37 (hg19) VCF-style: chr7-81604102-A-AGTATTAG.
Other names: c.1992-235_1992-234insACCTAAT (NM_001366867.1).
Identifiers: ClinVar variation 678451 (VCV000678451.1), dbSNP rs59793382, ClinGen allele CA161125893.